The following is an entry in ClinVar:

ClinVar aggregate classification (germline): Conflicting classifications of pathogenicity. Review status: criteria provided, conflicting classifications (1 of 4 stars). 6 submissions from 6 submitters: Uncertain significance (1); Benign (2); Likely benign (2). 1 of the submissions does not count toward it. Last evaluated 2025-11-03.

Conditions:
UROD-related disorder. Also called: UROD-related condition; UROD-related disorders.
Familial porphyria cutanea tarda (PCT). Also called: PCT, TYPE II; PORPHYRIA CUTANEA TARDA, TYPE II; PORPHYRIA, HEPATOCUTANEOUS TYPE; UROD DEFICIENCY; UROPORPHYRINOGEN DECARBOXYLASE DEFICIENCY; PCT, ''FAMILIAL'' TYPE. Identifiers: Orphanet 101330, Orphanet 443062, MedGen C0268323, MONDO:0008296, OMIM 176100.

Allele frequency attached by ClinVar (database versions not stated): gnomAD exomes 0.00127; ExAC 0.00148; 1000 Genomes Project 0.00399; 1000 Genomes Project 30x 0.00453; gnomAD 0.00496 and 0.00531; ESP Exome Variant Server 0.00500; TOPMed 0.00507.
gnomAD v4.1: 1,674 of 1,613,998 alleles (0.1%); highest among the groups gnomAD compares: African/African-American, 1.7%; 15 homozygotes.

Submissions (6):

Labcorp Genetics (formerly Invitae), Labcorp
Classification: Benign. Last evaluated: 2025-11-03. Review status: criteria provided, single submitter. Criteria: Invitae Variant Classification Sherloc (09022015). Collection method: clinical testing. Allele origin: germline.

CeGaT Center for Human Genetics Tuebingen
Classification: Benign. Last evaluated: 2025-07-01. Review status: criteria provided, single submitter. Criteria: CeGaT Center For Human Genetics Tuebingen Variant Classification Criteria Version 2. Collection method: clinical testing. Allele origin: germline. Affected: yes. Observed: 1 variant allele.
Comment: UROD: BP4, BS1, BS2

Mayo Clinic Laboratories, Mayo Clinic
Classification: Likely benign. Last evaluated: 2023-08-01. Review status: criteria provided, single submitter. Criteria: ACMG Guidelines, 2015. Collection method: clinical testing. Allele origin: germline. Observed: 2 variant alleles.
Comment: BS1, BP4

Mendelics
Classification: Uncertain significance. Last evaluated: 2022-05-04. Review status: criteria provided, single submitter. Criteria: Mendelics Assertion Criteria 2019. Collection method: clinical testing. Allele origin: germline.

Illumina Laboratory Services, Illumina
Classification: Likely benign for Familial porphyria cutanea tarda. Last evaluated: 2017-04-28. Review status: criteria provided, single submitter. Criteria: ICSL Variant Classification Criteria 13 December 2019. Collection method: clinical testing. Allele origin: germline.
Comment: This variant was observed as part of a predisposition screen in an ostensibly healthy population. A literature search was performed for the gene, cDNA change, and amino acid change (where applicable). Publications were found based on this search. The evidence from the literature, in combination with allele frequency data from public databases where available, was sufficient to determine this variant is unlikely to cause disease. Therefore, this variant is classified as likely benign.

PreventionGenetics, part of Exact Sciences
Classification: Likely benign for UROD-related condition. Last evaluated: 2019-03-06. Review status: no assertion criteria provided. Collection method: clinical testing. Allele origin: germline. Not counted in ClinVar's aggregate classification.
Comment: This variant is classified as likely benign based on ACMG/AMP sequence variant interpretation guidelines (Richards et al. 2015 PMID: 25741868, with internal and published modifications).

Literature cited by the submitters: PubMed 10477430 (cited by Mayo Clinic Laboratories, Mayo Clinic); PubMed 11069625 (cited by Mayo Clinic Laboratories, Mayo Clinic); PubMed 11719352 (cited by Mayo Clinic Laboratories, Mayo Clinic); PubMed 15186324 (cited by Mayo Clinic Laboratories, Mayo Clinic); PubMed 17627795 (cited by Mayo Clinic Laboratories, Mayo Clinic); PubMed 19656450 (cited by Mayo Clinic Laboratories, Mayo Clinic and Illumina Laboratory Services, Illumina); PubMed 20981092 (cited by Mayo Clinic Laboratories, Mayo Clinic); PubMed 22995991 (cited by Mayo Clinic Laboratories, Mayo Clinic); PubMed 30514647 (cited by Mayo Clinic Laboratories, Mayo Clinic); PubMed 8896428 (cited by Mayo Clinic Laboratories, Mayo Clinic and Illumina Laboratory Services, Illumina); PubMed 9792863 (cited by Mayo Clinic Laboratories, Mayo Clinic and Illumina Laboratory Services, Illumina).

NM_000374.5(UROD):c.952G>A (p.Gly318Arg)

Gene: UROD (uroporphyrinogen decarboxylase; plus strand). Cytogenetic location: 1p34.1.
Variant type: single nucleotide variant.
Coding change: c.952G>A on transcript NM_000374.5 (MANE Select); coding-DNA position 952, G replaced by A.
Protein change: p.Gly318Arg; replaces glycine 318 with arginine.
Molecular consequence: missense variant. On other transcripts: non-coding transcript variant (3).
Genome position (GRCh38, 1-based): chr1:45,015,346, G>A. VCF-style: chr1-45015346-G-A. GRCh37 (hg19) VCF-style: chr1-45481018-G-A.
Other names: p.Gly318Arg; short protein forms G318R.
Identifiers: ClinVar variation 876225 (VCV000876225.23), dbSNP rs116233118, ClinGen allele CA825400.